The following is an entry in ClinVar:

ClinVar aggregate classification (germline): Uncertain significance (1 of 4 stars; one submission).

Conditions:
Alpha thalassemia-X-linked intellectual disability syndrome (ATRX). Also called: ALPHA-THALASSEMIA/MENTAL RETARDATION SYNDROME, X-LINKED; ATR, NONDELETION TYPE; ATR-X syndrome; Alpha thalassemia mental retardation syndrome, nondeletion type, X-linked; XLMR hypotonic face syndrome; X-linked alpha-thalassemia-mental retardation syndrome. Identifiers: Orphanet 847, MedGen C1845055, MONDO:0010519, OMIM 301040.

gnomAD v4.1: 2 of 1,210,215 alleles (0.00017%); highest among the groups gnomAD compares: Non-Finnish European, 0.00022%; no homozygotes.

Submission:

Labcorp Genetics (formerly Invitae), Labcorp
Classification: Uncertain significance for Alpha thalassemia-X-linked intellectual disability syndrome. Last evaluated: 2025-03-10. Review status: criteria provided, single submitter. Criteria: Invitae Variant Classification Sherloc (09022015). Collection method: clinical testing. Allele origin: germline.
Comment: This sequence change replaces arginine, which is basic and polar, with glutamine, which is neutral and polar, at codon 78 of the ATRX protein (p.Arg78Gln). This variant is not present in population databases (gnomAD no frequency). This variant has not been reported in the literature in individuals affected with ATRX-related conditions. Invitae Evidence Modeling of protein sequence and biophysical properties (such as structural, functional, and spatial information, amino acid conservation, physicochemical variation, residue mobility, and thermodynamic stability) indicates that this missense variant is not expected to disrupt ATRX protein function with a negative predictive value of 95%. In summary, the available evidence is currently insufficient to determine the role of this variant in disease. Therefore, it has been classified as a Variant of Uncertain Significance.

NM_000489.6(ATRX):c.233G>A (p.Arg78Gln)

Gene: ATRX (ATRX chromatin remodeler; minus strand). Cytogenetic location: Xq21.1.
Variant type: single nucleotide variant.
Coding change: c.233G>A on transcript NM_000489.6 (MANE Select); coding-DNA position 233, G replaced by A.
Protein change: p.Arg78Gln; replaces arginine 78 with glutamine.
Molecular consequence: missense variant.
Genome position (GRCh38, 1-based): chrX:77,697,592, C>T on the plus strand (G>A on the coding strand, the complement: ATRX is on the minus strand). VCF-style: chrX-77697592-C-T. GRCh37 (hg19) VCF-style: chrX-76953080-C-T.
Other names: c.233G>A, p.Arg78Gln (NM_138270.5); short protein forms R78Q.
Identifiers: ClinVar variation 4738736 (VCV004738736.1).
Genomic context (GRCh38, chrX:77,697,592, plus strand): 5'-AAAATAACCTGAAAAAGAAAATAACTTTTTGTCCCTTCAACATCAACCAACCTCTTTGAT[C>T]GTGACGATCCTGAAGACTTGGATTTTTCTGAAGAGCTAGTTCCCTAGATGTGAGACATAA-3'
Protein context (NP_000480.3, residues 68-88): SEKSKSSGSS[Arg78Gln]SKRKPSIVTK